The following is an entry in ClinVar:

NM_004655.4(AXIN2):c.425A>G (p.Asn142Ser)

Gene: AXIN2 (axin 2; minus strand). Cytogenetic location: 17q24.1.
Variant type: single nucleotide variant.
Coding change: c.425A>G on transcript NM_004655.4 (MANE Select); coding-DNA position 425, A replaced by G.
Protein change: p.Asn142Ser; replaces asparagine 142 with serine.
Molecular consequence: missense variant.
Genome position (GRCh38, 1-based): chr17:65,558,196, T>C on the plus strand (A>G on the coding strand, the complement: AXIN2 is on the minus strand). VCF-style: chr17-65558196-T-C. GRCh37 (hg19) VCF-style: chr17-63554314-T-C.
Other names: c.425A>G (LRG_296t1); c.425A>G, p.Asn142Ser (NM_001363813.1); short protein forms N142S.
Identifiers: ClinVar variation 656725 (VCV000656725.13), dbSNP rs765336893, ClinGen allele CA293107203.

ClinVar aggregate classification (germline): Conflicting classifications of pathogenicity. Review status: criteria provided, conflicting classifications (1 of 4 stars). 4 submissions from 4 submitters: Uncertain significance (3); Likely benign (1). Last evaluated 2025-12-23.

Conditions:
Oligodontia-cancer predisposition syndrome. Also called: TOOTH AGENESIS-COLORECTAL CANCER SYNDROME. Identifiers: Orphanet 300576, MedGen C1837750, MONDO:0012075, OMIM 608615. Disease mechanism: loss of function.
Hereditary cancer-predisposing syndrome. Also called: Hereditary neoplastic syndrome; Tumor predisposition; Neoplastic Syndromes, Hereditary; Hereditary Cancer Syndrome. Identifiers: Orphanet 140162, MedGen C0027672, MeSH D009386, MONDO:0015356.
Colorectal cancer. Also called: Malignant Colorectal Neoplasm; Colorectal cancer, somatic. Identifiers: MedGen C0346629, MONDO:0005575, OMIM 114500.

Allele frequency attached by ClinVar (database versions not stated): gnomAD exomes below 0.00001; TOPMed below 0.00001; gnomAD 0.00001.
gnomAD v4.1: 7 of 1,614,056 alleles (0.00043%); highest among the groups gnomAD compares: Admixed American, 0.0017%; no homozygotes.

Submissions (4):

Labcorp Genetics (formerly Invitae), Labcorp
Classification: Uncertain significance for Oligodontia-cancer predisposition syndrome. Last evaluated: 2025-12-23. Review status: criteria provided, single submitter. Criteria: Invitae Variant Classification Sherloc (09022015). Collection method: clinical testing. Allele origin: germline.
Comment: This sequence change replaces asparagine, which is neutral and polar, with serine, which is neutral and polar, at codon 142 of the AXIN2 protein (p.Asn142Ser). This variant is present in population databases (rs765336893, gnomAD 0.007%). This variant has not been reported in the literature in individuals affected with AXIN2-related conditions. ClinVar contains an entry for this variant (Variation ID: 656725). Invitae Evidence Modeling of protein sequence and biophysical properties (such as structural, functional, and spatial information, amino acid conservation, physicochemical variation, residue mobility, and thermodynamic stability) indicates that this missense variant is not expected to disrupt AXIN2 protein function with a negative predictive value of 80%. In summary, the available evidence is currently insufficient to determine the role of this variant in disease. Therefore, it has been classified as a Variant of Uncertain Significance.

GeneDx
Classification: Uncertain significance. Last evaluated: 2025-02-28. Review status: criteria provided, single submitter. Criteria: GeneDx Variant Classification Process June 2021. Collection method: clinical testing. Allele origin: germline. Affected: yes.
Comment: Not observed at significant frequency in large population cohorts (gnomAD); In silico analysis supports that this missense variant has a deleterious effect on protein structure/function; Has not been previously published as pathogenic or benign to our knowledge; This variant is associated with the following publications: (PMID: 15735151)

Baylor Genetics
Classification: Uncertain significance for Colorectal cancer. Last evaluated: 2024-02-07. Review status: criteria provided, single submitter. Criteria: ACMG Guidelines, 2015. Collection method: clinical testing. Allele origin: unknown.

Ambry Genetics
Classification: Likely benign for Hereditary cancer-predisposing syndrome. Last evaluated: 2024-01-29. Review status: criteria provided, single submitter. Criteria: Ambry Variant Classification Scheme 2023. Collection method: clinical testing. Allele origin: germline.